The following is an entry in ClinVar:

ClinVar aggregate classification (germline): Uncertain significance (1 of 4 stars; one submission).

Conditions:
Hereditary cancer-predisposing syndrome. Also called: Neoplastic Syndromes, Hereditary; Tumor predisposition; Hereditary neoplastic syndrome; Hereditary Cancer Syndrome. Identifiers: Orphanet 140162, MedGen C0027672, MeSH D009386, MONDO:0015356.

gnomAD v4.1: 1 of 1,614,220 alleles (0.000062%); highest among the groups gnomAD compares: South Asian, 0.0011%; no homozygotes.

Submission:

Ambry Genetics
Classification: Uncertain significance for Hereditary cancer-predisposing syndrome. Last evaluated: 2026-07-07. Review status: criteria provided, single submitter. Criteria: Ambry Variant Classification Scheme 2023. Collection method: clinical testing. Allele origin: germline.
Comment: The p.A510S variant (also known as c.1528G>T), located in coding exon 10 of the CDH1 gene, results from a G to T substitution at nucleotide position 1528. The alanine at codon 510 is replaced by serine, an amino acid with similar properties. This amino acid position is conserved. In addition, this alteration is predicted to be deleterious by in silico analysis. Based on the available evidence, the clinical significance of this variant remains unclear.

NM_004360.5(CDH1):c.1528G>T (p.Ala510Ser)

Gene: CDH1 (cadherin 1; plus strand). Cytogenetic location: 16q22.1.
Variant type: single nucleotide variant.
Coding change: c.1528G>T on transcript NM_004360.5 (MANE Select); coding-DNA position 1528, G replaced by T.
Protein change: p.Ala510Ser; replaces alanine 510 with serine.
Molecular consequence: missense variant. On other transcripts: 5 prime UTR variant (2).
Genome position (GRCh38, 1-based): chr16:68,815,722, G>T. VCF-style: chr16-68815722-G-T. GRCh37 (hg19) VCF-style: chr16-68849625-G-T.
Other names: c.1345G>T, p.Ala449Ser (NM_001317184.2); c.-21G>T (NM_001317185.2); c.-292G>T (NM_001317186.2); short protein forms A449S, A510S.
Identifiers: ClinVar variation 5033987 (VCV005033987.1).
Genomic context (GRCh38, chr16:68,815,722, plus strand): 5'-GAAAAGAGAGTGGAAGTGTCCGAGGACTTTGGCGTGGGCCAGGAAATCACATCCTACACT[G>T]CCCAGGAGCCAGACACATTTATGGAACAGAAAATAACGTAAGTGTGAGGATTTTTCAACT-3'
Protein context (NP_004351.1, residues 500-520): GVGQEITSYT[Ala510Ser]QEPDTFMEQK